The following is an entry in ClinVar:

NM_014915.3(ANKRD26):c.210G>C (p.Lys70Asn)

Gene: ANKRD26 (ankyrin repeat domain 26; minus strand). Cytogenetic location: 10p12.1.
Variant type: single nucleotide variant.
Coding change: c.210G>C on transcript NM_014915.3 (MANE Select); coding-DNA position 210, G replaced by C.
Protein change: p.Lys70Asn; replaces lysine 70 with asparagine.
Molecular consequence: missense variant.
Genome position (GRCh38, 1-based): chr10:27,100,117, C>G on the plus strand (G>C on the coding strand, the complement: ANKRD26 is on the minus strand). VCF-style: chr10-27100117-C-G. GRCh37 (hg19) VCF-style: chr10-27389046-C-G.
Other names: c.210G>C, p.Lys70Asn (NM_001256053.2); short protein forms K70N.
Identifiers: ClinVar variation 2886473 (VCV002886473.3), dbSNP rs1234798349, ClinGen allele CA376369479.

ClinVar aggregate classification (germline): Uncertain significance (1 of 4 stars; one submission).

Submission:

Labcorp Genetics (formerly Invitae), Labcorp
Classification: Uncertain significance. Last evaluated: 2023-02-16. Review status: criteria provided, single submitter. Criteria: Invitae Variant Classification Sherloc (09022015). Collection method: clinical testing. Allele origin: germline.
Comment: In summary, the available evidence is currently insufficient to determine the role of this variant in disease. Therefore, it has been classified as a Variant of Uncertain Significance. An algorithm developed to predict the effect of missense changes on protein structure and function (PolyPhen-2) suggests that this variant is likely to be tolerated. This variant has not been reported in the literature in individuals affected with ANKRD26-related conditions. This variant is present in population databases (no rsID available, gnomAD 0.0009%). This sequence change replaces lysine, which is basic and polar, with asparagine, which is neutral and polar, at codon 70 of the ANKRD26 protein (p.Lys70Asn).